The following is an entry in ClinVar:

ClinVar aggregate classification (germline): Conflicting classifications of pathogenicity. Review status: criteria provided, conflicting classifications (1 of 4 stars). 2 submissions from 2 submitters: Uncertain significance (1); Likely benign (1). Last evaluated 2024-03-12.

Conditions:
Candidiasis, familial, 9 (CANDF9). Identifiers: Orphanet 1334, MedGen C4225324, MONDO:0014642, OMIM 616445.

Allele frequency attached by ClinVar (database versions not stated): ExAC 0.00002; gnomAD exomes 0.00002; TOPMed 0.00002; gnomAD 0.00003; 1000 Genomes Project 0.00020; 1000 Genomes Project 30x 0.00031.
gnomAD v4.1: 28 of 1,613,972 alleles (0.0017%); highest among the groups gnomAD compares: African/African-American, 0.0053%; no homozygotes.

Submissions (2):

Labcorp Genetics (formerly Invitae), Labcorp
Classification: Uncertain significance for Candidiasis, familial, 9. Last evaluated: 2024-03-12. Review status: criteria provided, single submitter. Criteria: Invitae Variant Classification Sherloc (09022015). Collection method: clinical testing. Allele origin: germline.
Comment: This sequence change replaces arginine, which is basic and polar, with tryptophan, which is neutral and slightly polar, at codon 320 of the IL17RC protein (p.Arg320Trp). This variant is present in population databases (rs567325482, gnomAD 0.01%). This variant has not been reported in the literature in individuals affected with IL17RC-related conditions. ClinVar contains an entry for this variant (Variation ID: 2084207). Algorithms developed to predict the effect of missense changes on protein structure and function output the following: SIFT: "Not Available"; PolyPhen-2: "Benign"; Align-GVGD: "Not Available". The tryptophan amino acid residue is found in multiple mammalian species, which suggests that this missense change does not adversely affect protein function. In summary, the available evidence is currently insufficient to determine the role of this variant in disease. Therefore, it has been classified as a Variant of Uncertain Significance.

Ambry Genetics
Classification: Likely benign. Last evaluated: 2024-01-04. Review status: criteria provided, single submitter. Criteria: Ambry Variant Classification Scheme 2023. Collection method: clinical testing. Allele origin: germline.

NM_153460.4(IL17RC):c.745C>T (p.Arg249Trp)

Gene: IL17RC (interleukin 17 receptor C; plus strand). Cytogenetic location: 3p25.3.
Variant type: single nucleotide variant.
Coding change: c.745C>T on transcript NM_153460.4 (MANE Select); coding-DNA position 745, C replaced by T.
Protein change: p.Arg249Trp; replaces arginine 249 with tryptophan.
Molecular consequence: missense variant. On other transcripts: non-coding transcript variant (1), intron variant (1).
Genome position (GRCh38, 1-based): chr3:9,924,003, C>T. VCF-style: chr3-9924003-C-T. GRCh37 (hg19) VCF-style: chr3-9965687-C-T.
Other names: c.958C>T (NM_153461.3); c.745C>T, p.Arg249Trp (NM_001203263.2, NM_001203264.2); c.700C>T, p.Arg234Trp (NM_001203265.2, NM_001367280.1, NM_001410711.1 and 1 more transcripts); c.625C>T, p.Arg209Trp (NM_001367279.1); c.958C>T, p.Arg320Trp (NM_153461.4); c.723+22C>T (NM_001367278.1); short protein forms R249W, R209W, R234W, R320W.
Identifiers: ClinVar variation 2084207 (VCV002084207.5), dbSNP rs567325482, ClinGen allele CA2246943.